The following is an entry in ClinVar:

NM_022051.3(EGLN1):c.173G>A (p.Cys58Tyr)

Gene: EGLN1 (egl-9 family hypoxia inducible factor 1; minus strand). Cytogenetic location: 1q42.2.
Variant type: single nucleotide variant.
Coding change: c.173G>A on transcript NM_022051.3 (MANE Select); coding-DNA position 173, G replaced by A.
Protein change: p.Cys58Tyr; replaces cysteine 58 with tyrosine.
Molecular consequence: missense variant.
Genome position (GRCh38, 1-based): chr1:231,421,716, C>T on the plus strand (G>A on the coding strand, the complement: EGLN1 is on the minus strand). VCF-style: chr1-231421716-C-T. GRCh37 (hg19) VCF-style: chr1-231557462-C-T.
Other names: c.173G>A, p.Cys58Tyr (NM_001377260.1, NM_001377261.1); short protein forms C58Y.
Identifiers: ClinVar variation 4870322 (VCV004870322.1).
Genomic context (GRCh38, chr1:231,421,716, plus strand): 5'-GCGGGGCCGGAATGCTGGTGTGGGCCCACTCCGTGGCCGAGGGCGCCCTCGCTGCCCTGG[C>T]ACACGAGCTTGTGCTTCTTCCAGTCCTGACGCTGGTGCTCCTTGCAGCAGTAGAAGGAGC-3'
Protein context (NP_071334.1, residues 48-68): RQDWKKHKLV[Cys58Tyr]QGSEGALGHG

ClinVar aggregate classification (germline): Uncertain significance (1 of 4 stars; one submission).

gnomAD v4.1: 2 of 1,526,464 alleles (0.00013%); highest among the groups gnomAD compares: South Asian, 0.0012%; no homozygotes.

Submission:

Ambry Genetics
Classification: Uncertain significance. Last evaluated: 2026-05-14. Review status: criteria provided, single submitter. Criteria: Ambry Variant Classification Scheme 2023. Collection method: clinical testing. Allele origin: germline.
Comment: The p.C58Y variant (also known as c.173G>A), located in coding exon 1 of the EGLN1 gene, results from a G to A substitution at nucleotide position 173. The cysteine at codon 58 is replaced by tyrosine, an amino acid with highly dissimilar properties. This amino acid position is conserved. In addition, the in silico prediction for this alteration is inconclusive. Based on the available evidence, the clinical significance of this variant remains unclear.